The following is an entry in ClinVar:

ClinVar aggregate classification (germline): Uncertain significance (1 of 4 stars; one submission).

Submission:

GeneDx
Classification: Uncertain significance. Last evaluated: 2021-04-14. Review status: criteria provided, single submitter. Criteria: GeneDx Variant Classification Process June 2021. Collection method: clinical testing. Allele origin: germline. Affected: yes.
Comment: Not observed in large population cohorts (Lek et al., 2016); In silico analysis supports that this missense variant has a deleterious effect on protein structure/function; Has not been previously published as pathogenic or benign to our knowledge

NM_001287491.2(TET3):c.3004C>A (p.Arg1002Ser)

Gene: TET3 (tet methylcytosine dioxygenase 3; plus strand). Cytogenetic location: 2p13.1.
Variant type: single nucleotide variant.
Coding change: c.3004C>A on transcript NM_001287491.2 (MANE Select); coding-DNA position 3004, C replaced by A.
Protein change: p.Arg1002Ser; replaces arginine 1002 with serine.
Molecular consequence: missense variant.
Genome position (GRCh38, 1-based): chr2:74,090,012, C>A. VCF-style: chr2-74090012-C-A. GRCh37 (hg19) VCF-style: chr2-74317139-C-A.
Other names: c.2725C>A, p.Arg909Ser (NM_001366022.1); short protein forms R1002S, R909S.
Identifiers: ClinVar variation 1314554 (VCV001314554.2), dbSNP rs1690385290, ClinGen allele CA347311984.